The following is an entry in ClinVar:

NM_005529.7(HSPG2):c.10516G>A (p.Val3506Met)

Gene: HSPG2 (heparan sulfate proteoglycan 2; minus strand). Cytogenetic location: 1p36.12.
Variant type: single nucleotide variant.
Coding change: c.10516G>A on transcript NM_005529.7 (MANE Select); coding-DNA position 10516, G replaced by A.
Protein change: p.Val3506Met; replaces valine 3506 with methionine.
Molecular consequence: missense variant.
Genome position (GRCh38, 1-based): chr1:21,834,883, C>T on the plus strand (G>A on the coding strand, the complement: HSPG2 is on the minus strand). VCF-style: chr1-21834883-C-T. GRCh37 (hg19) VCF-style: chr1-22161376-C-T.
Other names: c.10519G>A, p.Val3507Met (NM_001291860.2); short protein forms V3506M, V3507M.
Identifiers: ClinVar variation 3377997 (VCV003377997.3).

ClinVar aggregate classification (germline): Uncertain significance. Review status: criteria provided, multiple submitters, no conflicts (2 of 4 stars). 3 submissions from 3 submitters: Uncertain significance (3). Last evaluated 2024-09-10.

Conditions:
Inborn genetic diseases. Identifiers: MedGen C0950123, MeSH D030342.

gnomAD v4.1: 128 of 1,613,464 alleles (0.0079%); highest among the groups gnomAD compares: South Asian, 0.022%; no homozygotes.

Submissions (3):

Ambry Genetics
Classification: Uncertain significance for Inborn genetic diseases. Last evaluated: 2024-09-10. Review status: criteria provided, single submitter. Criteria: Ambry Variant Classification Scheme 2023. Collection method: clinical testing. Allele origin: germline.

GeneDx
Classification: Uncertain significance. Last evaluated: 2024-05-08. Review status: criteria provided, single submitter. Criteria: GeneDx Variant Classification Process June 2021. Collection method: clinical testing. Allele origin: germline. Affected: yes.
Comment: In silico analysis indicates that this missense variant does not alter protein structure/function; Has not been previously published as pathogenic or benign to our knowledge

Labcorp Genetics (formerly Invitae), Labcorp
Classification: Uncertain significance. Last evaluated: 2024-03-09. Review status: criteria provided, single submitter. Criteria: Invitae Variant Classification Sherloc (09022015). Collection method: clinical testing. Allele origin: germline.
Comment: This sequence change replaces valine, which is neutral and non-polar, with methionine, which is neutral and non-polar, at codon 3506 of the HSPG2 protein (p.Val3506Met). This variant is present in population databases (rs148191526, gnomAD 0.07%). This variant has not been reported in the literature in individuals affected with HSPG2-related conditions. An algorithm developed to predict the effect of missense changes on protein structure and function (PolyPhen-2) suggests that this variant is likely to be disruptive. In summary, the available evidence is currently insufficient to determine the role of this variant in disease. Therefore, it has been classified as a Variant of Uncertain Significance.